The following is an entry in ClinVar:

NM_001035.3(RYR2):c.5571G>A (p.Pro1857=)

Gene: RYR2 (ryanodine receptor 2; plus strand). Cytogenetic location: 1q43.
Variant type: single nucleotide variant.
Coding change: c.5571G>A on transcript NM_001035.3 (MANE Select); coding-DNA position 5571, G replaced by A.
Protein change: p.Pro1857=; no amino-acid change (proline 1857 retained).
Molecular consequence: synonymous variant.
Genome position (GRCh38, 1-based): chr1:237,614,699, G>A. VCF-style: chr1-237614699-G-A. GRCh37 (hg19) VCF-style: chr1-237777999-G-A.
Other names: p.P1857P:CCG>CCA.
Identifiers: ClinVar variation 138945 (VCV000138945.55), dbSNP rs371934582, ClinGen allele CA009882.

ClinVar aggregate classification (germline): Conflicting classifications of pathogenicity. Review status: criteria provided, conflicting classifications (1 of 4 stars). 11 submissions from 10 submitters: Uncertain significance (2); Benign (4); Likely benign (5). Last evaluated 2026-08-01.

Conditions:
Cardiovascular phenotype. Identifiers: MedGen CN230736.
Catecholaminergic polymorphic ventricular tachycardia (CVPT). Also called: Catecholamine-induced polymorphic ventricular tachycardia. Identifiers: Orphanet 3286, MedGen C5574922, MONDO:0017990.
Catecholaminergic polymorphic ventricular tachycardia 1. Also called: VENTRICULAR TACHYCARDIA, STRESS-INDUCED POLYMORPHIC 1; VENTRICULAR TACHYCARDIA, CATECHOLAMINERGIC POLYMORPHIC, 1, WITH OR WITHOUT ATRIAL DYSFUNCTION AND/OR DILATED CARDIOMYOPATHY; RYR2-Related Catecholaminergic Polymorphic Ventricular Tachycardia. Identifiers: Orphanet 3286, MedGen C1631597, MONDO:0011484, OMIM 604772.
Cardiomyopathy (CMYO). Also called: Cardiomyopathies. Identifiers: Orphanet 167848, MedGen C0878544, MONDO:0004994, HP:0001638. Inheritance: Various modes of inheritance.
Arrhythmogenic right ventricular dysplasia 2. Identifiers: MedGen C1832931.

Allele frequency attached by ClinVar (database versions not stated): ESP Exome Variant Server 0.00008; TOPMed 0.00008; gnomAD 0.00009 and 0.00010; gnomAD exomes 0.00009 and 0.00019; ExAC 0.00015.
gnomAD v4.1: 160 of 1,613,888 alleles (0.0099%); highest among the groups gnomAD compares: Admixed American, 0.025%; 1 homozygote.

Submissions (11):

CeGaT Center for Human Genetics Tuebingen
Classification: Likely benign. Last evaluated: 2026-08-01. Review status: criteria provided, single submitter. Criteria: CeGaT Center For Human Genetics Tuebingen Variant Classification Criteria Version 2. Collection method: clinical testing. Allele origin: germline. Affected: yes. Observed: 4 variant alleles.
Comment: RYR2: BP4, BP7

Labcorp Genetics (formerly Invitae), Labcorp
Classification: Likely benign for Catecholaminergic polymorphic ventricular tachycardia 1. Last evaluated: 2026-01-28. Review status: criteria provided, single submitter. Criteria: Invitae Variant Classification Sherloc (09022015). Collection method: clinical testing. Allele origin: germline.

Blueprint Genetics
Classification: Likely benign. Last evaluated: 2024-09-16. Review status: criteria provided, single submitter. Criteria: ACMG Guidelines, 2015. Collection method: clinical testing. Allele origin: germline.

All of Us Research Program, National Institutes of Health
Classification: Benign for Catecholaminergic polymorphic ventricular tachycardia. Last evaluated: 2024-02-05. Review status: criteria provided, single submitter. Criteria: ACMG Guidelines, 2015. Collection method: clinical testing. Allele origin: germline. Inheritance: Autosomal dominant inheritance. Observed: 27 variant alleles, 27 heterozygotes.
Comment: This study involves interpretation of variants in research participants for the purpose of population health screening. Participant phenotype was not available at the time of variant classification. Additional details can be found in publication PMID: 35346344, PMCID: PMC8962531

Women's Health and Genetics/Laboratory Corporation of America, LabCorp
Classification: Benign. Last evaluated: 2020-11-30. Review status: criteria provided, single submitter. Criteria: LabCorp Variant Classification Summary - May 2015. Collection method: clinical testing. Allele origin: germline.

Color Diagnostics, LLC DBA Color Health
Classification: Benign for Cardiomyopathy. Last evaluated: 2018-12-03. Review status: criteria provided, single submitter. Criteria: ACMG Guidelines, 2015. Collection method: clinical testing. Allele origin: germline.

Illumina Laboratory Services, Illumina
Classification: Uncertain significance for Catecholaminergic polymorphic ventricular tachycardia 1. Last evaluated: 2018-01-13. Review status: criteria provided, single submitter. Criteria: ICSL Variant Classification Criteria 13 December 2019. Collection method: clinical testing. Allele origin: germline.

Illumina Laboratory Services, Illumina
Classification: Uncertain significance for Catecholaminergic polymorphic ventricular tachycardia 1. Last evaluated: 2018-01-13. Review status: criteria provided, single submitter. Criteria: ICSL Variant Classification Criteria 13 December 2019. Collection method: clinical testing. Allele origin: germline.

Ambry Genetics
Classification: Likely benign for Cardiovascular phenotype. Last evaluated: 2016-09-16. Review status: criteria provided, single submitter. Criteria: Ambry Variant Classification Scheme 2023. Collection method: clinical testing. Allele origin: germline.

GeneDx
Classification: Benign. Last evaluated: 2014-05-25. Review status: criteria provided, single submitter. Criteria: GeneDx Variant Classification (06012015). Collection method: clinical testing. Allele origin: germline. Affected: yes.
Comment: This variant is considered likely benign or benign based on one or more of the following criteria: it is a conservative change, it occurs at a poorly conserved position in the protein, it is predicted to be benign by multiple in silico algorithms, and/or has population frequency not consistent with disease.

Laboratory for Molecular Medicine, Mass General Brigham Personalized Medicine
Classification: Likely benign. Last evaluated: 2014-05-09. Review status: criteria provided, single submitter. Criteria: LMM Criteria. Collection method: clinical testing. Allele origin: germline. Observed: 1 variant allele.
Comment: Pro1857Pro in exon 37 of RYR2: This variant is not expected to have clinical sig nificance because it does not alter an amino acid residue and is not located wit hin the splice consensus sequence. It has been identified in 1/8376 European Ame rican chromosomes by the NHLBI Exome Sequencing Project (n.edu/EVS/; dbSNP rs371934582).